The following is an entry in ClinVar:

ClinVar aggregate classification (germline): Likely benign (1 of 4 stars; one submission).

Conditions:
NOTCH2-related disorder. Also called: NOTCH2-related condition.

gnomAD v4.1: 8 of 1,613,584 alleles (0.0005%); highest among the groups gnomAD compares: Non-Finnish European, 0.00068%; no homozygotes.

Submission:

PreventionGenetics, part of Exact Sciences
Classification: Likely benign for NOTCH2-related condition. Last evaluated: 2025-01-06. Review status: criteria provided, single submitter. Criteria: ACMG Guidelines, 2015. Collection method: clinical testing. Allele origin: germline.
Comment: This variant is classified as likely benign based on ACMG/AMP sequence variant interpretation guidelines (Richards et al. 2015 PMID: 25741868, with internal and published modifications).

NM_024408.4(NOTCH2):c.867A>G (p.Gln289=)

Gene: NOTCH2 (notch receptor 2; minus strand). Cytogenetic location: 1p12.
Variant type: single nucleotide variant.
Coding change: c.867A>G on transcript NM_024408.4 (MANE Select); coding-DNA position 867, A replaced by G.
Protein change: p.Gln289=; no amino-acid change (glutamine 289 retained).
Molecular consequence: synonymous variant.
Genome position (GRCh38, 1-based): chr1:119,986,967, T>C on the plus strand (A>G on the coding strand, the complement: NOTCH2 is on the minus strand). VCF-style: chr1-119986967-T-C. GRCh37 (hg19) VCF-style: chr1-120529590-T-C.
Other names: c.867A>G, p.Gln289= (NM_001200001.2).
Identifiers: ClinVar variation 4987374 (VCV004987374.1).